The following is an entry in ClinVar:

NM_001113378.2(FANCI):c.2084A>C (p.Glu695Ala)

Gene: FANCI (FA complementation group I; plus strand). Cytogenetic location: 15q26.1.
Variant type: single nucleotide variant.
Coding change: c.2084A>C on transcript NM_001113378.2 (MANE Select); coding-DNA position 2084, A replaced by C.
Protein change: p.Glu695Ala; replaces glutamic acid 695 with alanine.
Molecular consequence: missense variant.
Genome position (GRCh38, 1-based): chr15:89,292,779, A>C. VCF-style: chr15-89292779-A-C. GRCh37 (hg19) VCF-style: chr15-89836010-A-C.
Other names: c.1805A>C, p.Glu602Ala (NM_001376910.1); c.2084A>C, p.Glu695Ala (NM_001376911.1, NM_018193.3); short protein forms E602A, E695A.
Identifiers: ClinVar variation 2062288 (VCV002062288.4), dbSNP rs1489220940, ClinGen allele CA393749054.

ClinVar aggregate classification (germline): Uncertain significance (1 of 4 stars; one submission).

Conditions:
Fanconi anemia (FA). Also called: Fanconi's anemia. Identifiers: Orphanet 84, MedGen C0015625, MeSH D005199, MONDO:0019391.

Submission:

Labcorp Genetics (formerly Invitae), Labcorp
Classification: Uncertain significance for Fanconi anemia. Last evaluated: 2022-05-29. Review status: criteria provided, single submitter. Criteria: Invitae Variant Classification Sherloc (09022015). Collection method: clinical testing. Allele origin: germline.
Comment: This sequence change replaces glutamic acid, which is acidic and polar, with alanine, which is neutral and non-polar, at codon 695 of the FANCI protein (p.Glu695Ala). This variant is not present in population databases (gnomAD no frequency). This variant has not been reported in the literature in individuals affected with FANCI-related conditions. Algorithms developed to predict the effect of missense changes on protein structure and function (SIFT, PolyPhen-2, Align-GVGD) all suggest that this variant is likely to be tolerated. In summary, the available evidence is currently insufficient to determine the role of this variant in disease. Therefore, it has been classified as a Variant of Uncertain Significance.